The following is an entry in ClinVar:

NM_001289808.2(CRYAB):c.206G>A (p.Arg69His)

Gene: CRYAB (crystallin alpha B; minus strand). Cytogenetic location: 11q23.1.
Variant type: single nucleotide variant.
Coding change: c.206G>A on transcript NM_001289808.2 (MANE Select); coding-DNA position 206, G replaced by A.
Protein change: p.Arg69His; replaces arginine 69 with histidine.
Molecular consequence: missense variant.
Genome position (GRCh38, 1-based): chr11:111,910,445, C>T on the plus strand (G>A on the coding strand, the complement: CRYAB is on the minus strand). VCF-style: chr11-111910445-C-T. GRCh37 (hg19) VCF-style: chr11-111781169-C-T.
Other names: c.206G>A, p.Arg69His (NM_001289807.1, NM_001368245.1, NM_001885.3); c.5G>A, p.Arg2His (NM_001330379.1, NM_001368246.1); short protein forms R2H, R69H.
Identifiers: ClinVar variation 941595 (VCV000941595.14), dbSNP rs987496548, ClinGen allele CA228545656.
Genomic context (GRCh38, chr11:111,910,445, plus strand): 5'-AGTTCCTCTGGGGAGAAGTGCTTCACATCCAGGTTGACAGAGAACCTGTCCTTCTCCAGG[C>T]GCATCTAGAAATAGCAAGGTAAGGGAATGGGATGGGAGAAAGAGGGCAAAAATACTGATT-3'
Protein context (NP_001276737.1, residues 59-79): SWFDTGLSEM[Arg69His]LEKDRFSVNL

ClinVar aggregate classification (germline): Uncertain significance. Review status: criteria provided, multiple submitters, no conflicts (2 of 4 stars). 5 submissions from 5 submitters: Uncertain significance (5). Last evaluated 2026-07-15.

Conditions:
CRYAB-related disorder. Also called: CRYAB-related condition.
Cardiovascular phenotype. Identifiers: MedGen CN230736.
Dilated cardiomyopathy 1II (CMD1II). Identifiers: Orphanet 154, MedGen C3554649, MONDO:0014073, OMIM 615184.
Xeroderma pigmentosum, group D (XPD). Also called: ERCC2-Related Xeroderma Pigmentosum; XERODERMA PIGMENTOSUM IV; XP, GROUP D; XP, GROUP H; XERODERMA PIGMENTOSUM, COMPLEMENTATION GROUP D. Identifiers: MedGen C0268138, MONDO:0010212, OMIM 278730.

Allele frequency attached by ClinVar (database versions not stated): gnomAD exomes 0.00001; TOPMed 0.00006.
gnomAD v4.1: 19 of 1,613,984 alleles (0.0012%); highest among the groups gnomAD compares: African/African-American, 0.0067%; no homozygotes.

Submissions (5):

PreventionGenetics, part of Exact Sciences
Classification: Uncertain significance for CRYAB-related condition. Last evaluated: 2026-07-15. Review status: criteria provided, single submitter. Criteria: ACMG Guidelines, 2015. Collection method: clinical testing. Allele origin: germline.
Comment: The CRYAB c.206G>A variant is predicted to result in the amino acid substitution p.Arg69His. To our knowledge, this variant has not been reported in the literature. This variant is reported in 0.016% of alleles in individuals of African descent in gnomAD. At this time, the clinical significance of this variant is uncertain due to the absence of conclusive functional and genetic evidence.

Labcorp Genetics (formerly Invitae), Labcorp
Classification: Uncertain significance for Dilated cardiomyopathy 1II. Last evaluated: 2025-12-02. Review status: criteria provided, single submitter. Criteria: Invitae Variant Classification Sherloc (09022015). Collection method: clinical testing. Allele origin: germline.
Comment: This sequence change replaces arginine, which is basic and polar, with histidine, which is basic and polar, at codon 69 of the CRYAB protein (p.Arg69His). This variant is present in population databases (no rsID available, gnomAD 0.02%). This variant has not been reported in the literature in individuals affected with CRYAB-related conditions. ClinVar contains an entry for this variant (Variation ID: 941595). An algorithm developed to predict the effect of missense changes on protein structure and function outputs the following: PolyPhen-2: "Probably Damaging". The histidine amino acid residue is found in multiple mammalian species, which suggests that this missense change does not adversely affect protein function. In summary, the available evidence is currently insufficient to determine the role of this variant in disease. Therefore, it has been classified as a Variant of Uncertain Significance.

Genomic Medicine Center of Excellence, King Faisal Specialist Hospital and Research Centre
Classification: Uncertain significance for Xeroderma pigmentosum, group D. Last evaluated: 2025-09-10. Review status: criteria provided, single submitter. Criteria: ACMG Guidelines, 2015. Collection method: clinical testing. Allele origin: germline.

Women's Health and Genetics/Laboratory Corporation of America, LabCorp
Classification: Uncertain significance. Last evaluated: 2024-09-29. Review status: criteria provided, single submitter. Criteria: LabCorp Variant Classification Summary - May 2015. Collection method: clinical testing. Allele origin: germline.

Ambry Genetics
Classification: Uncertain significance for Cardiovascular phenotype. Last evaluated: 2022-01-17. Review status: criteria provided, single submitter. Criteria: Ambry Variant Classification Scheme 2023. Collection method: clinical testing. Allele origin: germline.
Comment: The p.R69H variant (also known as c.206G>A), located in coding exon 2 of the CRYAB gene, results from a G to A substitution at nucleotide position 206. The arginine at codon 69 is replaced by histidine, an amino acid with highly similar properties. This amino acid position is conserved. In addition, the in silico prediction for this alteration is inconclusive. Since supporting evidence is limited at this time, the clinical significance of this alteration remains unclear.